The following is an entry in ClinVar:

ClinVar aggregate classification (germline): Benign. Review status: criteria provided, multiple submitters, no conflicts (2 of 4 stars). 11 submissions from 10 submitters: Benign (9). 2 of the submissions do not count toward it. Last evaluated 2026-02-04.

Conditions:
Autosomal dominant nonsyndromic hearing loss 4A. Also called: Deafness, autosomal dominant 4A. Identifiers: Orphanet 90635, MedGen C1833503, MONDO:0010915, OMIM 600652.
Peripheral neuropathy-myopathy-hoarseness-hearing loss syndrome. Identifiers: Orphanet 397744, MedGen C3280556, MONDO:0013711, OMIM 614369.

Allele frequency attached by ClinVar (database versions not stated): 1000 Genomes Project 30x 0.46440; 1000 Genomes Project 0.47284; TOPMed 0.47434; ESP Exome Variant Server 0.49326; gnomAD exomes 0.56915 and 0.62797; ExAC 0.60570.
gnomAD v4.1: 978,515 of 1,592,160 alleles (61%); highest among the groups gnomAD compares: Non-Finnish European, 65%; 309,869 homozygotes.

Submissions (11):

Labcorp Genetics (formerly Invitae), Labcorp
Classification: Benign. Last evaluated: 2026-02-04. Review status: criteria provided, single submitter. Criteria: Invitae Variant Classification Sherloc (09022015). Collection method: clinical testing. Allele origin: germline.

Genome-Nilou Lab
Classification: Benign for Peripheral neuropathy-myopathy-hoarseness-hearing loss syndrome. Last evaluated: 2021-09-05. Review status: criteria provided, single submitter. Criteria: ACMG Guidelines, 2015. Collection method: clinical testing. Allele origin: germline. Affected: no.

Genome-Nilou Lab
Classification: Benign for Autosomal dominant nonsyndromic hearing loss 4A. Last evaluated: 2021-09-05. Review status: criteria provided, single submitter. Criteria: ACMG Guidelines, 2015. Collection method: clinical testing. Allele origin: germline. Affected: no.

Mayo Clinic Laboratories, Mayo Clinic
Classification: Benign. Last evaluated: 2020-10-02. Review status: criteria provided, single submitter. Criteria: ACMG Guidelines, 2015. Collection method: clinical testing. Allele origin: germline. Observed: 1,178 variant alleles.

Illumina Laboratory Services, Illumina
Classification: Benign for Autosomal dominant nonsyndromic hearing loss 4A. Last evaluated: 2018-01-13. Review status: criteria provided, single submitter. Criteria: ICSL Variant Classification Criteria 13 December 2019. Collection method: clinical testing. Allele origin: germline.
Comment: This variant was observed in the ICSL laboratory as part of a predisposition screen in an ostensibly healthy population. It had not been previously curated by ICSL or reported in the Human Gene Mutation Database (HGMD: prior to June 1st, 2018), and was therefore a candidate for classification through an automated scoring system. Utilizing variant allele frequency, disease prevalence and penetrance estimates, and inheritance mode, an automated score was calculated to assess if this variant is too frequent to cause the disease. Based on the score and internal cut-off values, a variant classified as benign is not then subjected to further curation. The score for this variant resulted in a classification of benign for this disease.

GeneDx
Classification: Benign. Last evaluated: 2017-05-09. Review status: criteria provided, single submitter. Criteria: GeneDx Variant Classification (06012015). Collection method: clinical testing. Allele origin: germline. Affected: yes.
Comment: This variant is considered likely benign or benign based on one or more of the following criteria: it is a conservative change, it occurs at a poorly conserved position in the protein, it is predicted to be benign by multiple in silico algorithms, and/or has population frequency not consistent with disease.

Laboratory for Molecular Medicine, Mass General Brigham Personalized Medicine
Classification: Benign. Last evaluated: 2012-05-07. Review status: criteria provided, single submitter. Criteria: LMM Criteria. Collection method: clinical testing. Allele origin: germline. Observed: 1,312 variant alleles.
Comment: "Ala219Ala in Exon 05 of MYH14: This variant is not expected to have clinical si gnificance because it does not alter an amino acid residue, is not located withi n the splice consensus sequence, and has been identified in 36.8% (2569/6986) of European American chromosomes from a broad population by the NHLBI Exome Sequen cing Project (dbSNP rs4801822)."

Breakthrough Genomics
Classification: Benign. Review status: criteria provided, single submitter. Criteria: ACMG Guidelines, 2015. Collection method: not provided. Allele origin: germline. Inheritance: Autosomal dominant inheritance. Affected: yes.

PreventionGenetics, part of Exact Sciences
Classification: Benign. Review status: criteria provided, single submitter. Criteria: ACMG Guidelines, 2015. Collection method: clinical testing. Allele origin: germline.

Clinical Genetics, Academic Medical Center
Classification: Benign. Review status: no assertion criteria provided. Collection method: clinical testing. Allele origin: germline. Affected: yes. Study: VKGL Data-share Consensus. Not counted in ClinVar's aggregate classification.

Diagnostic Laboratory, Department of Genetics, University Medical Center Groningen
Classification: Benign. Review status: no assertion criteria provided. Collection method: clinical testing. Allele origin: germline. Affected: yes. Study: VKGL Data-share Consensus. Not counted in ClinVar's aggregate classification.

NM_001145809.2(MYH14):c.657G>A (p.Ala219=)

Gene: MYH14 (myosin heavy chain 14; plus strand). Cytogenetic location: 19q13.33.
Variant type: single nucleotide variant.
Coding change: c.657G>A on transcript NM_001145809.2 (MANE Select); coding-DNA position 657, G replaced by A.
Protein change: p.Ala219=; no amino-acid change (alanine 219 retained).
Molecular consequence: synonymous variant.
Genome position (GRCh38, 1-based): chr19:50,223,313, G>A. VCF-style: chr19-50223313-G-A. GRCh37 (hg19) VCF-style: chr19-50726570-G-A.
Other names: p.Ala219=; c.657G>A, p.Ala219= (NM_001077186.2, NM_024729.4).
Identifiers: ClinVar variation 44079 (VCV000044079.23), dbSNP rs4801822, ClinGen allele CA133516.